The following is an entry in ClinVar:

ClinVar aggregate classification (germline): Uncertain significance. Review status: criteria provided, multiple submitters, no conflicts (2 of 4 stars). 2 submissions from 2 submitters: Uncertain significance (2). Last evaluated 2025-06-03.

Conditions:
Inborn genetic diseases. Identifiers: MedGen C0950123, MeSH D030342.

gnomAD v4.1: 14 of 1,608,076 alleles (0.00087%); highest among the groups gnomAD compares: South Asian, 0.0011%; no homozygotes.

Submissions (2):

Ambry Genetics
Classification: Uncertain significance for Inborn genetic diseases. Last evaluated: 2025-06-03. Review status: criteria provided, single submitter. Criteria: Ambry Variant Classification Scheme 2023. Collection method: clinical testing. Allele origin: germline.

Labcorp Genetics (formerly Invitae), Labcorp
Classification: Uncertain significance. Last evaluated: 2025-05-19. Review status: criteria provided, single submitter. Criteria: Invitae Variant Classification Sherloc (09022015). Collection method: clinical testing. Allele origin: germline.
Comment: This sequence change replaces glycine, which is neutral and non-polar, with serine, which is neutral and polar, at codon 238 of the TRPV3 protein (p.Gly238Ser). The frequency data for this variant in the population databases is considered unreliable, as metrics indicate poor data quality at this position in the gnomAD database. This variant has not been reported in the literature in individuals affected with TRPV3-related conditions. Invitae Evidence Modeling of protein sequence and biophysical properties (such as structural, functional, and spatial information, amino acid conservation, physicochemical variation, residue mobility, and thermodynamic stability) indicates that this missense variant is expected to disrupt TRPV3 protein function with a positive predictive value of 95%. In summary, the available evidence is currently insufficient to determine the role of this variant in disease. Therefore, it has been classified as a Variant of Uncertain Significance.

NM_145068.4(TRPV3):c.712G>A (p.Gly238Ser)

Gene: TRPV3 (transient receptor potential cation channel subfamily V member 3; minus strand). Cytogenetic location: 17p13.2.
Variant type: single nucleotide variant.
Coding change: c.712G>A on transcript NM_145068.4 (MANE Select); coding-DNA position 712, G replaced by A.
Protein change: p.Gly238Ser; replaces glycine 238 with serine.
Molecular consequence: missense variant.
Genome position (GRCh38, 1-based): chr17:3,535,645, C>T on the plus strand (G>A on the coding strand, the complement: TRPV3 is on the minus strand). VCF-style: chr17-3535645-C-T. GRCh37 (hg19) VCF-style: chr17-3438939-C-T.
Other names: c.712G>A, p.Gly238Ser (NM_001258205.2); short protein forms G238S.
Identifiers: ClinVar variation 3974444 (VCV003974444.2).
Genomic context (GRCh38, chr17:3,535,645, plus strand): 5'-CTTCGTGTTGGTACTTGGGGTTGAAGAAGGCCCCCTTGGCGTGCGCGTTGACGTCGGCGC[C>T]GGCGGCGATGAGCAGGGCTGCGATGTCCCCCTGCCGCCGCTCGATGGCGATGTTCAGCGC-3'
Protein context (NP_659505.1, residues 228-248): GDIAALLIAA[Gly238Ser]ADVNAHAKGA